The following is an entry in ClinVar:

ClinVar aggregate classification (germline): Uncertain significance. Review status: criteria provided, single submitter (1 of 4 stars). 2 submissions from 2 submitters: Uncertain significance (1). 1 of the submissions does not count toward it. Last evaluated 2020-06-07.

Conditions:
KLHL10-related disorder. Also called: KLHL10-related condition.
Non-obstructive azoospermia. Identifiers: MedGen C4021107, HP:0011961.

Allele frequency attached by ClinVar (database versions not stated): 1000 Genomes Project 30x 0.00016; 1000 Genomes Project 0.00020; gnomAD 0.00034; gnomAD exomes 0.00040 and 0.00058; TOPMed 0.00049; ExAC 0.00056; ESP Exome Variant Server 0.00090.
gnomAD v4.1: 651 of 1,614,200 alleles (0.04%); highest among the groups gnomAD compares: Middle Eastern, 0.15%; 2 homozygotes.

Submissions (2):

Institute of Reproductive Genetics, University of Münster
Classification: Uncertain significance for Non-obstructive azoospermia. Last evaluated: 2020-06-07. Review status: criteria provided, single submitter. Criteria: ACMG Guidelines, 2015. Collection method: research. Allele origin: unknown. Affected: yes. Observed: 1 variant allele.

PreventionGenetics, part of Exact Sciences
Classification: Likely benign for KLHL10-related condition. Last evaluated: 2024-08-17. Review status: no assertion criteria provided. Collection method: clinical testing. Allele origin: germline. Not counted in ClinVar's aggregate classification.
Comment: This variant is classified as likely benign based on ACMG/AMP sequence variant interpretation guidelines (Richards et al. 2015 PMID: 25741868, with internal and published modifications).

Literature cited by the submitters: PubMed 31479588 (cited by Institute of Reproductive Genetics, University of Münster).

NM_152467.5(KLHL10):c.242A>T (p.Asn81Ile)

Gene: KLHL10 (kelch like family member 10; plus strand). Cytogenetic location: 17q21.2.
Variant type: single nucleotide variant.
Coding change: c.242A>T on transcript NM_152467.5 (MANE Select); coding-DNA position 242, A replaced by T.
Protein change: p.Asn81Ile; replaces asparagine 81 with isoleucine.
Molecular consequence: missense variant. On other transcripts: 5 prime UTR variant (1).
Genome position (GRCh38, 1-based): chr17:41,841,870, A>T. VCF-style: chr17-41841870-A-T. GRCh37 (hg19) VCF-style: chr17-39998122-A-T.
Other names: c.242A>T, p.Asn81Ile (NM_001329595.1); c.-23A>T (NM_001329596.2); c.242A>T (NM_152467.4); short protein forms N81I.
Identifiers: ClinVar variation 684736 (VCV000684736.4), dbSNP rs36065902, ClinGen allele CA8567189.